The following is an entry in ClinVar:

ClinVar aggregate classification (germline): Uncertain significance (1 of 4 stars; one submission).

Submission:

GeneDx
Classification: Uncertain significance. Last evaluated: 2024-04-10. Review status: criteria provided, single submitter. Criteria: GeneDx Variant Classification Process June 2021. Collection method: clinical testing. Allele origin: germline. Affected: yes.
Comment: Not observed at significant frequency in large population cohorts (gnomAD); In silico analysis indicates that this missense variant does not alter protein structure/function; Has not been previously published as pathogenic or benign to our knowledge

NM_030957.4(ADAMTS10):c.635T>C (p.Leu212Ser)

Gene: ADAMTS10 (ADAM metallopeptidase with thrombospondin type 1 motif 10; minus strand). Cytogenetic location: 19p13.2.
Variant type: single nucleotide variant.
Coding change: c.635T>C on transcript NM_030957.4 (MANE Select); coding-DNA position 635, T replaced by C.
Protein change: p.Leu212Ser; replaces leucine 212 with serine.
Molecular consequence: missense variant.
Genome position (GRCh38, 1-based): chr19:8,601,103, A>G on the plus strand (T>C on the coding strand, the complement: ADAMTS10 is on the minus strand). VCF-style: chr19-8601103-A-G. GRCh37 (hg19) VCF-style: chr19-8665987-A-G.
Other names: short protein forms L212S.
Identifiers: ClinVar variation 3372418 (VCV003372418.1).